The following is an entry in ClinVar:

NM_025136.4(OPA3):c.222G>A (p.Glu74=)

Genes: OPA3 (outer mitochondrial membrane lipid metabolism regulator OPA3; minus strand), OPA3-RTN2 (OPA3-RTN2 readthrough; minus strand). Cytogenetic location: 19q13.32.
Variant type: single nucleotide variant.
Coding change: c.222G>A on transcript NM_025136.4 (MANE Select); coding-DNA position 222, G replaced by A.
Protein change: p.Glu74=; no amino-acid change (glutamic acid 74 retained).
Molecular consequence: synonymous variant. On other transcripts: intron variant (1).
Genome position (GRCh38, 1-based): chr19:45,553,832, C>T on the plus strand (G>A on the coding strand, the complement: OPA3 is on the minus strand). VCF-style: chr19-45553832-C-T. GRCh37 (hg19) VCF-style: chr19-46057090-C-T.
Other names: c.143-24376G>A (NM_001017989.3); c.222G>A (NM_025136.3).
Identifiers: ClinVar variation 1121538 (VCV001121538.11), dbSNP rs1241138154, ClinGen allele CA633481121.

ClinVar aggregate classification (germline): Likely benign. Review status: criteria provided, single submitter (1 of 4 stars). 2 submissions from 2 submitters: Likely benign (1). 1 of the submissions does not count toward it. Last evaluated 2025-07-27.

Conditions:
OPA3-related disorder. Also called: OPA3-related condition.
3-Methylglutaconic aciduria type 3 (MGCA3). Also called: Costeff Syndrome; OPA3, AUTOSOMAL RECESSIVE; OPTIC ATROPHY 3, AUTOSOMAL RECESSIVE; OPA3-Related 3-Methylglutaconic Aciduria. Identifiers: Orphanet 67047, MedGen C0574084, MONDO:0009787, OMIM 258501.
Optic atrophy 3 (OPA3). Also called: OPTIC ATROPHY 3, AUTOSOMAL DOMINANT; Optic atrophy, cataract, and neurologic disorder; Optic atrophy 3 with cataract. Identifiers: Orphanet 67036, MedGen C1833809, MONDO:0008133, OMIM 165300.

Allele frequency attached by ClinVar (database versions not stated): gnomAD 0.00001; gnomAD exomes below 0.00001.
gnomAD v4.1: 2 of 1,613,062 alleles (0.00012%); highest among the groups gnomAD compares: East Asian, 0.0045%; no homozygotes.

Submissions (2):

Labcorp Genetics (formerly Invitae), Labcorp
Classification: Likely benign for 3-Methylglutaconic aciduria type 3; Optic atrophy 3. Last evaluated: 2025-07-27. Review status: criteria provided, single submitter. Criteria: Invitae Variant Classification Sherloc (09022015). Collection method: clinical testing. Allele origin: germline.

PreventionGenetics, part of Exact Sciences
Classification: Likely benign for OPA3-related condition. Last evaluated: 2024-08-21. Review status: no assertion criteria provided. Collection method: clinical testing. Allele origin: germline. Not counted in ClinVar's aggregate classification.
Comment: This variant is classified as likely benign based on ACMG/AMP sequence variant interpretation guidelines (Richards et al. 2015 PMID: 25741868, with internal and published modifications).